The following is an entry in ClinVar:

ClinVar aggregate classification (germline): Conflicting classifications of pathogenicity. Review status: criteria provided, conflicting classifications (1 of 4 stars). 3 submissions from 3 submitters: Pathogenic (1); Uncertain significance (2). Last evaluated 2026-01-14.
ClinVar aggregate classification (oncogenicity): Uncertain significance (1 of 4 stars; one submission).

Conditions:
Familial cancer of breast. Also called: hereditary breast carcinoma; BREAST CANCER, FAMILIAL; Hereditary breast cancer. Identifiers: Orphanet 227535, MedGen C0346153, MONDO:0016419, OMIM 114480. Disease mechanism: loss of function.
Ataxia-telangiectasia syndrome (AT). Also called: AT, COMPLEMENTATION GROUP C; ATAXIA-TELANGIECTASIA, COMPLEMENTATION GROUP A; ATAXIA-TELANGIECTASIA, FRESNO VARIANT; Ataxia-telangiectasia; Ataxia telangiectasia (A-T); Ataxia-telangiectasia, complementation group E. Identifiers: Orphanet 100, MedGen C0004135, MONDO:0008840, OMIM 208900.
Hereditary cancer-predisposing syndrome. Also called: Tumor predisposition; Hereditary Cancer Syndrome; Hereditary neoplastic syndrome; Neoplastic Syndromes, Hereditary. Identifiers: Orphanet 140162, MedGen C0027672, MeSH D009386, MONDO:0015356.
Neoplasm. Also called: tumor; Neoplasms; Neoplasm (disease). Identifiers: MedGen C0027651, MeSH D009369, MONDO:0005070, HP:0002664.

Allele frequency attached by ClinVar (database versions not stated): gnomAD 0.00001.
gnomAD v4.1: 3 of 1,613,390 alleles (0.00019%); highest among the groups gnomAD compares: East Asian, 0.0022%; no homozygotes.

Submissions (4):

Center for Genomic Medicine, Rigshospitalet, Copenhagen University Hospital
Classification: Uncertain significance for Neoplasm. Last evaluated: 2026-10-16. Review status: criteria provided, single submitter. Criteria: ClinGen/CGC/VICC Guidelines for Oncogenicity, 2022. Collection method: clinical testing. Allele origin: somatic. Affected: yes.

Labcorp Genetics (formerly Invitae), Labcorp
Classification: Uncertain significance for Ataxia-telangiectasia syndrome. Last evaluated: 2026-01-14. Review status: criteria provided, single submitter. Criteria: Invitae Variant Classification Sherloc (09022015). Collection method: clinical testing. Allele origin: germline.
Comment: This sequence change replaces arginine, which is basic and polar, with proline, which is neutral and non-polar, at codon 1466 of the ATM protein (p.Arg1466Pro). This variant is not present in population databases (gnomAD no frequency). This missense change has been observed in individual(s) with ataxia-telangiectasia (PMID: 26896183). ClinVar contains an entry for this variant (Variation ID: 842494). Invitae Evidence Modeling of protein sequence and biophysical properties (such as structural, functional, and spatial information, amino acid conservation, physicochemical variation, residue mobility, and thermodynamic stability) has been performed for this missense variant. However, the output from this modeling did not meet the statistical confidence thresholds required to predict the impact of this variant on ATM protein function. In summary, the available evidence is currently insufficient to determine the role of this variant in disease. Therefore, it has been classified as a Variant of Uncertain Significance.

Baylor Genetics
Classification: Uncertain significance for Familial cancer of breast. Last evaluated: 2023-07-20. Review status: criteria provided, single submitter. Criteria: ACMG Guidelines, 2015. Collection method: clinical testing. Allele origin: unknown.

Ambry Genetics
Classification: Pathogenic for Hereditary cancer-predisposing syndrome. Last evaluated: 2022-04-11. Review status: criteria provided, single submitter. Criteria: Ambry Variant Classification Scheme 2023. Collection method: clinical testing. Allele origin: germline.
Comment: The p.R1466P pathogenic mutation (also known as c.4397G>C), located in coding exon 28 of the ATM gene, results from a G to C substitution at nucleotide position 4397. The arginine at codon 1466 is replaced by proline, an amino acid with dissimilar properties. This alteration was identified in conjunction with a pathogenic ATM mutation in a cohort of individuals from the UK diagnosed with ataxia-telangiectasia (A-T) (Jackson TJ et al. Dev Med Child Neurol. 2016 07;58:690-7). This alteration is located in the HEAT domain of the ATM protein and based on internal structural assessment, it is more disruptive than nearby known pathogenic variants (Drozdetskiy A et al. Nucleic Acids Res. 2015 Jul;43:W389-94; Perry J et al. Cell. 2003 Jan;112:151-5; Ambry internal data). This amino acid position is highly conserved in available vertebrate species. In addition, this alteration is predicted to be deleterious by in silico analysis and is considered to be rare based on population cohorts in the Genome Aggregation Database (gnomAD). Based on the supporting evidence, this alteration is interpreted as a disease-causing mutation.

Literature cited by the submitters: PubMed 40580951 (cited by Center for Genomic Medicine, Rigshospitalet, Copenhagen University Hospital); PubMed 26896183 (cited by Labcorp Genetics (formerly Invitae), Labcorp and Ambry Genetics).

NM_000051.4(ATM):c.4397G>C (p.Arg1466Pro)

Gene: ATM (ATM serine/threonine kinase; plus strand). Cytogenetic location: 11q22.3.
Variant type: single nucleotide variant.
Coding change: c.4397G>C on transcript NM_000051.4 (MANE Select); coding-DNA position 4397, G replaced by C.
Protein change: p.Arg1466Pro; replaces arginine 1466 with proline.
Molecular consequence: missense variant.
Genome position (GRCh38, 1-based): chr11:108,289,762, G>C. VCF-style: chr11-108289762-G-C. GRCh37 (hg19) VCF-style: chr11-108160489-G-C.
Other names: c.4397G>C, p.Arg1466Pro (NM_001351834.2); short protein forms R1466P.
Identifiers: ClinVar variation 842494 (VCV000842494.11), dbSNP rs749770110, ClinGen allele CA382532201.